The following is an entry in ClinVar:

ClinVar aggregate classification (germline): Conflicting classifications of pathogenicity. Review status: criteria provided, conflicting classifications (1 of 4 stars). 4 submissions from 4 submitters: Pathogenic (2); Likely pathogenic (1); Uncertain significance (1). Last evaluated 2026-01-12.

Conditions:
Hereditary pulmonary alveolar proteinosis. Also called: Pulmonary surfactant metabolism dysfunction. Identifiers: Orphanet 264675, MedGen C3711368, MONDO:0012580.
Interstitial lung disease due to ABCA3 deficiency. Also called: PULMONARY ALVEOLAR PROTEINOSIS, CONGENITAL, 3. Identifiers: Orphanet 440402, MedGen C1970456, MONDO:0012582, OMIM 610921.

Allele frequency attached by ClinVar (database versions not stated): TOPMed below 0.00001; gnomAD exomes 0.00004.
gnomAD v4.1: 53 of 1,611,434 alleles (0.0033%); highest among the groups gnomAD compares: Non-Finnish European, 0.0043%; no homozygotes.

Submissions (4):

Labcorp Genetics (formerly Invitae), Labcorp
Classification: Pathogenic. Last evaluated: 2026-01-12. Review status: criteria provided, single submitter. Criteria: Invitae Variant Classification Sherloc (09022015). Collection method: clinical testing. Allele origin: germline.
Comment: This sequence change replaces leucine, which is neutral and non-polar, with phenylalanine, which is neutral and non-polar, at codon 960 of the ABCA3 protein (p.Leu960Phe). This variant is not present in population databases (gnomAD no frequency). This missense change has been observed in individual(s) with clinical features of pulmonary surfactant metabolism dysfunction (PMID: 16641205, 23625987, 24871971). ClinVar contains an entry for this variant (Variation ID: 932908). Invitae Evidence Modeling of protein sequence and biophysical properties (such as structural, functional, and spatial information, amino acid conservation, physicochemical variation, residue mobility, and thermodynamic stability) indicates that this missense variant is not expected to disrupt ABCA3 protein function with a negative predictive value of 80%. For these reasons, this variant has been classified as Pathogenic.

Women's Health and Genetics/Laboratory Corporation of America, LabCorp
Classification: Uncertain significance. Last evaluated: 2025-07-15. Review status: criteria provided, single submitter. Criteria: LabCorp Variant Classification Summary - May 2015. Collection method: clinical testing. Allele origin: germline.
Comment: Variant summary: ABCA3 c.2880G>C (p.Leu960Phe) results in a non-conservative amino acid change located in the ABC-2 type transporter, transmembrane domain (IPR013525) of the encoded protein sequence. Algorithms developed to predict the effect of missense changes on protein structure and function all suggest that this variant is likely to be disruptive. The variant was absent in 243276 control chromosomes (gnomAD). c.2880G>C has been reported in the literature in at least five individuals with clinical symptoms of pulmonary surfactant metabolism dysfunction (e.g. Garmany_2006, Turcu_2013, Wambach_2014). In all cases the variant was found as a complex allele in cis with p.Pro766Ser in four individuals who each also had another putative pathogenic or unknown variant in trans, and in one individual with three reported variants where phase was undetermined/unspecified (Turcu_2013). These data indicate that the variant may be associated with disease. To our knowledge, no experimental evidence demonstrating an impact on protein function has been reported. The p.Pro766Ser variant has been cited in ClinVar with conflicting interpretations, classified as either VUS (n=4) or likely benign (n=2). Furthermore, the frequency of p.Pro766Ser is much higher at 0.001663 out of 282570 control chromosomes, predominately at a frequency of 0.003250 in non-Finnish Europeans (gnomAD). As the frequency of p.Pro766Ser in isolation exceeds the estimated maximal pathogenic allele frequency of a variant causing pulmonary surfactant metabolism dysfunction (0.0011), we believe it is less likely to be associated with disease. However, as p.Leu960Phe in isolation without the background of p.Pro766Ser has not yet been reported in patients or examined in functional studies, it is currently not possible to rule out an additive effect or attribute any association of the variant in isolation with a clinical phenotype. The following publications have been ascertained in the context of this evaluation (PMID: 16641205, 23625987, 24871971). ClinVar contains an entry for this variant (Variation ID: 932908). Based on the evidence outlined above, the variant was classified as VUS-possibly pathogenic.

Ambry Genetics
Classification: Pathogenic for Hereditary pulmonary alveolar proteinosis. Last evaluated: 2021-01-25. Review status: criteria provided, single submitter. Criteria: Ambry Variant Classification Scheme 2023. Collection method: clinical testing. Allele origin: germline.
Comment: The p.L960F pathogenic mutation (also known as c.2880G>C), located in coding exon 18 of the ABCA3 gene, results from a G to C substitution at nucleotide position 2880. The leucine at codon 960 is replaced by phenylalanine, an amino acid with highly similar properties. Several studies suggest this mutation commonly occurs in cis with p.P766S. In one study, p.L960F was seen in cis with p.P766S and in trans with a frameshift alteration in an infant with progressive lung disease and a histopathologic diagnosis of pulmonary alveolar proteinosis (Garmany TH et al. Pediatr Res. 2006;59(6):801-805). In addition, another mutation (p.L960S) of the same codon has been reported in a patient with interstitial lung disease (Doan ML et al. Thorax. 2008;63(4):366-373). In another study, the complex allele, p.[P766S; L960F], was identified in four individuals with severe pulmonary symptoms and a third ABCA3 alteration in trans (Wambach JA et al. Am. J. Respir. Crit. Care Med., 2014 Jun;189:1538-43). Based on the supporting evidence, this alteration is interpreted as a disease-causing mutation.

Johns Hopkins Genomics, Johns Hopkins University
Classification: Likely pathogenic for Interstitial lung disease due to ABCA3 deficiency. Last evaluated: 2020-01-09. Review status: criteria provided, single submitter. Criteria: ACMG Guidelines, 2015. Collection method: clinical testing. Allele origin: germline.

Literature cited by the submitters: PubMed 16641205 (cited by 3 submitters); PubMed 23625987 (cited by 3 submitters); PubMed 24871971 (cited by 3 submitters).

NM_001089.3(ABCA3):c.2880G>C (p.Leu960Phe)

Gene: ABCA3 (ATP binding cassette subfamily A member 3; minus strand). Cytogenetic location: 16p13.3.
Variant type: single nucleotide variant.
Coding change: c.2880G>C on transcript NM_001089.3 (MANE Select); coding-DNA position 2880, G replaced by C.
Protein change: p.Leu960Phe; replaces leucine 960 with phenylalanine.
Molecular consequence: missense variant.
Genome position (GRCh38, 1-based): chr16:2,288,150, C>G on the plus strand (G>C on the coding strand, the complement: ABCA3 is on the minus strand). VCF-style: chr16-2288150-C-G. GRCh37 (hg19) VCF-style: chr16-2338151-C-G.
Other names: c.2880G>C (NM_001089.2); short protein forms L960F.
Identifiers: ClinVar variation 932908 (VCV000932908.9), dbSNP rs1022923684, ClinGen allele CA276825011.
Genomic context (GRCh38, chr16:2,288,150, plus strand): 5'-CTGACCCAGCTGGGAGGTCCCGGGAACTGAGAAGGGCACGACGGTTCTGCCGTACTCGCC[C>G]AAGGTCAGCCTCAGCATGGGGTCGTCGAAGAGCTCCGAGGAGTAGTTGATGGCCAGGAGG-3'
Protein context (NP_001080.2, residues 950-970): LFDDPMLRLT[Leu960Phe]GEYGRTVVPF